The following is an entry in ClinVar:

NM_015466.4(PTPN23):c.4145G>T (p.Arg1382Leu)

Gene: PTPN23 (protein tyrosine phosphatase non-receptor type 23; plus strand). Cytogenetic location: 3p21.31.
Variant type: single nucleotide variant.
Coding change: c.4145G>T on transcript NM_015466.4 (MANE Select); coding-DNA position 4145, G replaced by T.
Protein change: p.Arg1382Leu; replaces arginine 1382 with leucine.
Molecular consequence: missense variant.
Genome position (GRCh38, 1-based): chr3:47,412,165, G>T. VCF-style: chr3-47412165-G-T. GRCh37 (hg19) VCF-style: chr3-47453655-G-T.
Other names: c.3767G>T, p.Arg1256Leu (NM_001304482.2); short protein forms R1256L, R1382L.
Identifiers: ClinVar variation 1380882 (VCV001380882.6), dbSNP rs780811219, ClinGen allele CA352565549.

ClinVar aggregate classification (germline): Uncertain significance (1 of 4 stars; one submission).

Submission:

Labcorp Genetics (formerly Invitae), Labcorp
Classification: Uncertain significance. Last evaluated: 2021-09-21. Review status: criteria provided, single submitter. Criteria: Invitae Variant Classification Sherloc (09022015). Collection method: clinical testing. Allele origin: germline.
Comment: This sequence change replaces arginine with leucine at codon 1382 of the PTPN23 protein (p.Arg1382Leu). The arginine residue is moderately conserved and there is a moderate physicochemical difference between arginine and leucine. In summary, the available evidence is currently insufficient to determine the role of this variant in disease. Therefore, it has been classified as a Variant of Uncertain Significance. Algorithms developed to predict the effect of missense changes on protein structure and function are either unavailable or do not agree on the potential impact of this missense change (SIFT: "Tolerated"; PolyPhen-2: "Probably Damaging"; Align-GVGD: "Class C0"). This variant has not been reported in the literature in individuals affected with PTPN23-related conditions. This variant is not present in population databases (ExAC no frequency).